The following is an entry in ClinVar:

ClinVar aggregate classification (germline): Uncertain significance (1 of 4 stars; one submission).

Conditions:
Hao-Fountain syndrome due to USP7 mutation. Also called: USP7-Related Hao Fountain Syndrome. Identifiers: Orphanet 643538, MedGen C5816734, MONDO:0958071, OMIM 616863.

Submission:

MVZ Medizinische Genetik Mainz
Classification: Uncertain significance for Hao-Fountain syndrome due to USP7 mutation. Last evaluated: 2024-03-11. Review status: criteria provided, single submitter. Criteria: UK Practice Guidelines For Variant Classification V4 01 2020. Collection method: clinical testing. Allele origin: germline. Inheritance: Autosomal dominant inheritance. Affected: yes. Observed: 1 variant allele.
Comment: ACMG Criteria: PM2_SUP,PP2,PP3

NM_003470.3(USP7):c.2510T>G (p.Leu837Arg)

Gene: USP7 (ubiquitin specific peptidase 7; minus strand). Cytogenetic location: 16p13.2.
Variant type: single nucleotide variant.
Coding change: c.2510T>G on transcript NM_003470.3 (MANE Select); coding-DNA position 2510, T replaced by G.
Protein change: p.Leu837Arg; replaces leucine 837 with arginine.
Molecular consequence: missense variant. On other transcripts: non-coding transcript variant (1).
Genome position (GRCh38, 1-based): chr16:8,899,142, A>C on the plus strand (T>G on the coding strand, the complement: USP7 is on the minus strand). VCF-style: chr16-8899142-A-C. GRCh37 (hg19) VCF-style: chr16-8992999-A-C.
Other names: c.2462T>G, p.Leu821Arg (NM_001286457.2); c.2213T>G, p.Leu738Arg (NM_001286458.2); c.2336T>G, p.Leu779Arg (NM_001321858.2); short protein forms L738R, L779R, L821R, L837R.
Identifiers: ClinVar variation 3236348 (VCV003236348.1), dbSNP rs2549220041, ClinGen allele CA394698618.
Genomic context (GRCh38, chr16:8,899,142, plus strand): 5'-GCAGTCAAGACCAAGCAAGTGTCCACACATGTGACCTACCCTTGAGACTTGAAAAACTGC[A>C]GCAACATTGGATCTGTGTTGAGCCTCTGTGCAACTGTCTTTGCAACCTAAGACACAGAAA-3'
Protein context (NP_003461.2, residues 827-847): AQRLNTDPML[Leu837Arg]QFFKSQGYRD